The following is an entry in ClinVar:

NM_000321.3(RB1):c.45_79del (p.Ala16fs)

Gene: RB1 (RB transcriptional corepressor 1; plus strand). Cytogenetic location: 13q14.2.
Variant type: Deletion.
Coding change: c.45_79del on transcript NM_000321.3 (MANE Select); coding-DNA positions 45 to 79, 35 bases deleted.
Protein change: p.Ala16fs; shifts the reading frame from alanine 16.
Molecular consequence: frameshift variant.
Genome position (GRCh38, 1-based): chr13:48,303,957-48,303,991, 35 bases deleted; deleting any 35 consecutive bases within chr13:48,303,947-48,303,991 gives the same sequence; the c. name uses the placement nearest the transcript's 3' end. GRCh37 (hg19): chr13:48,878,093-48,878,127.
Other names: c.45_79del35 (NM_000321.2); short protein forms A16fs.
Identifiers: ClinVar variation 1453924 (VCV001453924.36), dbSNP rs2138027212, ClinGen allele CA2573149541.

ClinVar aggregate classification (germline): Pathogenic. Review status: criteria provided, multiple submitters, no conflicts (2 of 4 stars). 3 submissions from 3 submitters: Pathogenic (3). Last evaluated 2025-12-05.

Conditions:
Hereditary cancer-predisposing syndrome. Also called: Hereditary neoplastic syndrome; Tumor predisposition; Hereditary Cancer Syndrome; Neoplastic Syndromes, Hereditary. Identifiers: Orphanet 140162, MedGen C0027672, MeSH D009386, MONDO:0015356.
Retinoblastoma (RB1). Also called: RETINOBLASTOMA, SOMATIC. Identifiers: Orphanet 790, MedGen C0035335, MeSH D012175, MONDO:0008380, OMIM 180200, HP:0009919. Disease mechanism: loss of function. Inheritance: Both sporadic and heritable forms are tested..

Submissions (3):

Ambry Genetics
Classification: Pathogenic for Hereditary cancer-predisposing syndrome. Last evaluated: 2025-12-05. Review status: criteria provided, single submitter. Criteria: Ambry Variant Classification Scheme 2023. Collection method: clinical testing. Allele origin: germline.
Comment: The c.45_79del35 pathogenic mutation, located in coding exon 1 of the RB1 gene, results from a deletion of 35 nucleotides at nucleotide positions 45 to 79, causing a translational frameshift with a predicted alternate stop codon (p.A16Pfs*3). This variant was reported in individual(s) with features consistent with RB1-related hereditary retinoblastoma (Dean M et al. Cancer Lett, 2014 Aug;351:59-63; Ambry internal data). This alteration is expected to result in loss of function by premature protein truncation or nonsense-mediated mRNA decay. As such, this alteration is interpreted as a disease-causing mutation.

CeGaT Center for Human Genetics Tuebingen
Classification: Pathogenic. Last evaluated: 2022-07-01. Review status: criteria provided, single submitter. Criteria: CeGaT Center For Human Genetics Tuebingen Variant Classification Criteria Version 2. Collection method: clinical testing. Allele origin: germline. Affected: yes. Observed: 1 variant allele.
Comment: RB1: PVS1, PM2, PP4

Labcorp Genetics (formerly Invitae), Labcorp
Classification: Pathogenic for Retinoblastoma. Last evaluated: 2021-07-30. Review status: criteria provided, single submitter. Criteria: Invitae Variant Classification Sherloc (09022015). Collection method: clinical testing. Allele origin: germline.
Comment: This sequence change creates a premature translational stop signal (p.Ala16Profs*3) in the RB1 gene. It is expected to result in an absent or disrupted protein product. Loss-of-function variants in RB1 are known to be pathogenic (PMID: 17096365). The frequency data for this variant in the population databases is considered unreliable, as metrics indicate insufficient coverage at this position in the ExAC database. This variant has not been reported in the literature in individuals affected with RB1-related conditions. For these reasons, this variant has been classified as Pathogenic.

Literature cited by the submitters: PubMed 24814393 (cited by Ambry Genetics); PubMed 17096365 (cited by Labcorp Genetics (formerly Invitae), Labcorp).